The following is an entry in ClinVar:

NM_003458.4(BSN):c.9937C>T (p.Arg3313Ter)

Gene: BSN (bassoon presynaptic cytomatrix protein; plus strand). Cytogenetic location: 3p21.31.
Variant type: single nucleotide variant.
Coding change: c.9937C>T on transcript NM_003458.4 (MANE Select); coding-DNA position 9937, C replaced by T.
Protein change: p.Arg3313Ter; replaces arginine 3313 with a stop codon.
Molecular consequence: nonsense.
Genome position (GRCh38, 1-based): chr3:49,661,782, C>T. VCF-style: chr3-49661782-C-T. GRCh37 (hg19) VCF-style: chr3-49699215-C-T.
Other names: short protein forms R3313*.
Identifiers: ClinVar variation 4680979 (VCV004680979.1).

ClinVar aggregate classification (germline): Uncertain significance (1 of 4 stars; one submission).

gnomAD v4.1: 2 of 1,613,340 alleles (0.00012%); highest among the groups gnomAD compares: Non-Finnish European, 0.00017%; no homozygotes.

Submission:

GeneDx
Classification: Uncertain significance. Last evaluated: 2025-07-01. Review status: criteria provided, single submitter. Criteria: GeneDx Variant Classification Process June 2021. Collection method: clinical testing. Allele origin: germline. Affected: yes.
Comment: Not observed at significant frequency in large population cohorts (gnomAD); Nonsense variant predicted to result in protein truncation or nonsense mediated decay in a gene or region of a gene for which loss of function is not a well-established mechanism of disease; Has not been previously published as pathogenic or benign to our knowledge